The following is an entry in ClinVar:

ClinVar aggregate classification (germline): Uncertain significance (1 of 4 stars; one submission).

Conditions:
Inborn genetic diseases. Identifiers: MedGen C0950123, MeSH D030342.

gnomAD v4.1: 1 of 1,614,092 alleles (0.000062%); highest among the groups gnomAD compares: South Asian, 0.0011%; no homozygotes.

Submission:

Ambry Genetics
Classification: Uncertain significance for Inborn genetic diseases. Last evaluated: 2025-10-11. Review status: criteria provided, single submitter. Criteria: Ambry Variant Classification Scheme 2023. Collection method: clinical testing. Allele origin: germline.
Comment: The p.A596T variant (also known as c.1786G>A), located in coding exon 12 of the BMPR2 gene, results from a G to A substitution at nucleotide position 1786. The alanine at codon 596 is replaced by threonine, an amino acid with similar properties. This amino acid position is conserved. In addition, the in silico prediction for this alteration is inconclusive. Based on the available evidence, the clinical significance of this variant remains unclear.

NM_001204.7(BMPR2):c.1786G>A (p.Ala596Thr)

Gene: BMPR2 (bone morphogenetic protein receptor type 2; plus strand). Cytogenetic location: 2q33.2.
Variant type: single nucleotide variant.
Coding change: c.1786G>A on transcript NM_001204.7 (MANE Select); coding-DNA position 1786, G replaced by A.
Protein change: p.Ala596Thr; replaces alanine 596 with threonine.
Molecular consequence: missense variant.
Genome position (GRCh38, 1-based): chr2:202,555,451, G>A. VCF-style: chr2-202555451-G-A. GRCh37 (hg19) VCF-style: chr2-203420174-G-A.
Other names: short protein forms A596T.
Identifiers: ClinVar variation 4597269 (VCV004597269.1).